The following is an entry in ClinVar:

ClinVar aggregate classification (germline): Uncertain significance. Review status: criteria provided, multiple submitters, no conflicts (2 of 4 stars). 2 submissions from 2 submitters: Uncertain significance (2). Last evaluated 2022-11-12.

Allele frequency attached by ClinVar (database versions not stated): gnomAD 0.00001; gnomAD exomes 0.00001; ExAC 0.00003.
gnomAD v4.1: 19 of 1,611,624 alleles (0.0012%); highest among the groups gnomAD compares: Admixed American, 0.005%; no homozygotes.

Submissions (2):

Labcorp Genetics (formerly Invitae), Labcorp
Classification: Uncertain significance. Last evaluated: 2022-11-12. Review status: criteria provided, single submitter. Criteria: Invitae Variant Classification Sherloc (09022015). Collection method: clinical testing. Allele origin: germline.
Comment: This sequence change replaces arginine, which is basic and polar, with glutamine, which is neutral and polar, at codon 1201 of the MACF1 protein (p.Arg1201Gln). This variant is present in population databases (rs757376311, gnomAD 0.006%). This variant has not been reported in the literature in individuals affected with MACF1-related conditions. ClinVar contains an entry for this variant (Variation ID: 1708409). Algorithms developed to predict the effect of missense changes on protein structure and function output the following: SIFT: "Tolerated"; PolyPhen-2: "Benign"; Align-GVGD: "Class C0". The glutamine amino acid residue is found in multiple mammalian species, which suggests that this missense change does not adversely affect protein function. In summary, the available evidence is currently insufficient to determine the role of this variant in disease. Therefore, it has been classified as a Variant of Uncertain Significance.

Centre of Medical Genetics, University Hospital Muenster
Classification: Uncertain significance. Last evaluated: 2022-08-26. Review status: criteria provided, single submitter. Criteria: ACMG Guidelines, 2015. Collection method: clinical testing. Allele origin: unknown. Affected: yes. Observed: 1 variant allele, 1 heterozygote.
Comment: ACMG categories: PM2,PP2,BP4

NM_001394062.1(MACF1):c.3587G>A (p.Arg1196Gln)

Gene: MACF1 (microtubule actin crosslinking factor 1; plus strand). Cytogenetic location: 1p34.3.
Variant type: single nucleotide variant.
Coding change: c.3587G>A on transcript NM_001394062.1 (MANE Select); coding-DNA position 3587, G replaced by A.
Protein change: p.Arg1196Gln; replaces arginine 1196 with glutamine.
Molecular consequence: missense variant.
Genome position (GRCh38, 1-based): chr1:39,316,528, G>A. VCF-style: chr1-39316528-G-A. GRCh37 (hg19) VCF-style: chr1-39782200-G-A.
Other names: c.3602G>A, p.Arg1201Gln (NM_012090.5); short protein forms R1196Q, R1201Q.
Identifiers: ClinVar variation 1708409 (VCV001708409.5), dbSNP rs757376311, ClinGen allele CA780009.
Genomic context (GRCh38, chr1:39,316,528, plus strand): 5'-GTCAAGAAGAAGTAGTACTGGCAGATCTCTCAGCTCTGGAGGCCCATTGGTCGACATTAC[G>A]GGTGAGTTGCTCTGAGTTTCTTAGGAGGTTGACCTAACATATTCATTGCTTTGGGTTAGC-3'
Protein context (NP_001380991.1, residues 1186-1206): SALEAHWSTL[Arg1196Gln]HWLSDVKDKN